The following is an entry in ClinVar:

ClinVar aggregate classification (germline): Benign/Likely benign. Review status: criteria provided, multiple submitters, no conflicts (2 of 4 stars). 8 submissions from 8 submitters: Benign (6); Likely benign (1). 1 of the submissions does not count toward it. Last evaluated 2026-02-04.

Conditions:
Hyperparathyroidism 2 with jaw tumors. Also called: Hyperparathyroidism 2; HYPERPARATHYROIDISM, FAMILIAL PRIMARY, WITH MULTIPLE OSSIFYING JAW FIBROMAS; HYPERPARATHYROIDISM-JAW TUMOR SYNDROME, HEREDITARY; Hyperparathyroidism-Jaw Tumor Syndrome. Identifiers: Orphanet 99880, MedGen C1704981, MONDO:0007768, OMIM 145001.
Parathyroid carcinoma (PRTC). Also called: CDC73-Related Parathyroid Carcinoma; Parathyroid gland carcinoma. Identifiers: Orphanet 143, MedGen C0687150, MONDO:0012004, OMIM 608266, HP:0006780.

Allele frequency attached by ClinVar (database versions not stated): 1000 Genomes Project 0.02895; 1000 Genomes Project 30x 0.02983; TOPMed 0.05721; ESP Exome Variant Server 0.06659.
gnomAD v4.1: 122,502 of 1,592,552 alleles (7.7%); highest among the groups gnomAD compares: Non-Finnish European, 9.1%; 5,388 homozygotes.

Submissions 1 to 29 of 69:

Labcorp Genetics (formerly Invitae), Labcorp
Classification: Benign for Parathyroid carcinoma. Last evaluated: 2026-02-04. Review status: criteria provided, single submitter. Criteria: Invitae Variant Classification Sherloc (09022015). Collection method: clinical testing. Allele origin: germline.

Blueprint Genetics
Classification: Likely benign. Last evaluated: 2024-11-26. Review status: criteria provided, single submitter. Criteria: ACMG Guidelines, 2015. Collection method: clinical testing. Allele origin: germline.

KCCC/NGS Laboratory, Kuwait Cancer Control Center
Classification: Benign for Hyperparathyroidism 2 with jaw tumors. Last evaluated: 2023-07-07. Review status: criteria provided, single submitter. Criteria: ACMG Guidelines, 2015. Collection method: clinical testing. Allele origin: germline. Affected: yes.

Women's Health and Genetics/Laboratory Corporation of America, LabCorp
Classification: Benign. Last evaluated: 2016-04-28. Review status: criteria provided, single submitter. Criteria: LabCorp Variant Classification Summary - May 2015. Collection method: clinical testing. Allele origin: germline.
Comment: Variant summary: c.1418-17C>G in the CDC73 gene is an intronic change that involves a non-conserved nucleotide. 5/5 programs in Alamut predict that this variant does not affect normal splicing, however no functional studies supporting this notion were published at the time of evaluation. The variant is present in the control population dataset of ExAC at frequency of 5.97%, including numerous homozygous occurrences. The observed frequency greatly exceeds the maximum expected allele frequency for a pathogenic variant of 0.0004%, suggesting that it is a benign polymorphism. The variant of interest has been reported as Benign/Polymorphism by a reputable database and published reports (Newey, 2010; Frank-Raue, 2011). Taking together, based on the prevalence of this variant in general population the variant was classified as Benign.

GeneDx
Classification: Benign. Last evaluated: 2015-03-03. Review status: criteria provided, single submitter. Criteria: GeneDx Variant Classification Process June 2021. Collection method: clinical testing. Allele origin: germline. Affected: yes.

Breakthrough Genomics
Classification: Benign. Review status: criteria provided, single submitter. Criteria: ACMG Guidelines, 2015. Collection method: not provided. Allele origin: germline. Inheritance: Autosomal dominant inheritance. Affected: yes.

PreventionGenetics, part of Exact Sciences
Classification: Benign. Review status: criteria provided, single submitter. Criteria: ACMG Guidelines, 2015. Collection method: clinical testing. Allele origin: germline.

Dr. Peter K. Rogan Lab, Western University
No classification provided (evidence only). Condition: Chronic lymphocytic leukemia/small lymphocytic lymphoma. Review status: no classification provided. Collection method: in vitro. Allele origin: not applicable. Functional consequence: retained intron. Not counted in ClinVar's aggregate classification.

Dr. Peter K. Rogan Lab, Western University
No classification provided (evidence only). Condition: Chronic lymphocytic leukemia/small lymphocytic lymphoma. Review status: no classification provided. Collection method: in vitro. Allele origin: not applicable. Functional consequence: retained intron. Not counted in ClinVar's aggregate classification.

Dr. Peter K. Rogan Lab, Western University
No classification provided (evidence only). Condition: Chronic lymphocytic leukemia/small lymphocytic lymphoma. Review status: no classification provided. Collection method: in vitro. Allele origin: not applicable. Functional consequence: retained intron. Not counted in ClinVar's aggregate classification.

Dr. Peter K. Rogan Lab, Western University
No classification provided (evidence only). Condition: Chronic lymphocytic leukemia/small lymphocytic lymphoma. Review status: no classification provided. Collection method: in vitro. Allele origin: not applicable. Functional consequence: retained intron. Not counted in ClinVar's aggregate classification.

Dr. Peter K. Rogan Lab, Western University
No classification provided (evidence only). Condition: Nonpapillary renal cell carcinoma. Review status: no classification provided. Collection method: in vitro. Allele origin: not applicable. Functional consequence: retained intron. Not counted in ClinVar's aggregate classification.

Dr. Peter K. Rogan Lab, Western University
No classification provided (evidence only). Condition: Nonpapillary renal cell carcinoma. Review status: no classification provided. Collection method: in vitro. Allele origin: not applicable. Functional consequence: retained intron. Not counted in ClinVar's aggregate classification.

Dr. Peter K. Rogan Lab, Western University
No classification provided (evidence only). Condition: Nonpapillary renal cell carcinoma. Review status: no classification provided. Collection method: in vitro. Allele origin: not applicable. Functional consequence: retained intron. Not counted in ClinVar's aggregate classification.

Dr. Peter K. Rogan Lab, Western University
No classification provided (evidence only). Condition: Nonpapillary renal cell carcinoma. Review status: no classification provided. Collection method: in vitro. Allele origin: not applicable. Functional consequence: retained intron. Not counted in ClinVar's aggregate classification.

Dr. Peter K. Rogan Lab, Western University
No classification provided (evidence only). Condition: Nonpapillary renal cell carcinoma. Review status: no classification provided. Collection method: in vitro. Allele origin: not applicable. Functional consequence: retained intron. Not counted in ClinVar's aggregate classification.

Dr. Peter K. Rogan Lab, Western University
No classification provided (evidence only). Condition: Familial pancreatic carcinoma. Review status: no classification provided. Collection method: in vitro. Allele origin: not applicable. Functional consequence: retained intron. Not counted in ClinVar's aggregate classification.

Dr. Peter K. Rogan Lab, Western University
No classification provided (evidence only). Condition: Familial pancreatic carcinoma. Review status: no classification provided. Collection method: in vitro. Allele origin: not applicable. Functional consequence: retained intron. Not counted in ClinVar's aggregate classification.

Dr. Peter K. Rogan Lab, Western University
No classification provided (evidence only). Condition: Familial pancreatic carcinoma. Review status: no classification provided. Collection method: in vitro. Allele origin: not applicable. Functional consequence: retained intron. Not counted in ClinVar's aggregate classification.

Dr. Peter K. Rogan Lab, Western University
No classification provided (evidence only). Condition: Familial pancreatic carcinoma. Review status: no classification provided. Collection method: in vitro. Allele origin: not applicable. Functional consequence: retained intron. Not counted in ClinVar's aggregate classification.

Dr. Peter K. Rogan Lab, Western University
No classification provided (evidence only). Condition: Familial pancreatic carcinoma. Review status: no classification provided. Collection method: in vitro. Allele origin: not applicable. Functional consequence: retained intron. Not counted in ClinVar's aggregate classification.

Dr. Peter K. Rogan Lab, Western University
No classification provided (evidence only). Condition: Familial pancreatic carcinoma. Review status: no classification provided. Collection method: in vitro. Allele origin: not applicable. Functional consequence: retained intron. Not counted in ClinVar's aggregate classification.

Dr. Peter K. Rogan Lab, Western University
No classification provided (evidence only). Condition: Familial pancreatic carcinoma. Review status: no classification provided. Collection method: in vitro. Allele origin: not applicable. Functional consequence: retained intron. Not counted in ClinVar's aggregate classification.

Dr. Peter K. Rogan Lab, Western University
No classification provided (evidence only). Condition: Familial pancreatic carcinoma. Review status: no classification provided. Collection method: in vitro. Allele origin: not applicable. Functional consequence: retained intron. Not counted in ClinVar's aggregate classification.

Dr. Peter K. Rogan Lab, Western University
No classification provided (evidence only). Condition: Familial pancreatic carcinoma. Review status: no classification provided. Collection method: in vitro. Allele origin: not applicable. Functional consequence: retained intron. Not counted in ClinVar's aggregate classification.

Dr. Peter K. Rogan Lab, Western University
No classification provided (evidence only). Condition: Familial pancreatic carcinoma. Review status: no classification provided. Collection method: in vitro. Allele origin: not applicable. Functional consequence: retained intron. Not counted in ClinVar's aggregate classification.

Dr. Peter K. Rogan Lab, Western University
No classification provided (evidence only). Condition: Familial pancreatic carcinoma. Review status: no classification provided. Collection method: in vitro. Allele origin: not applicable. Functional consequence: retained intron. Not counted in ClinVar's aggregate classification.

Dr. Peter K. Rogan Lab, Western University
No classification provided (evidence only). Condition: Familial pancreatic carcinoma. Review status: no classification provided. Collection method: in vitro. Allele origin: not applicable. Functional consequence: retained intron. Not counted in ClinVar's aggregate classification.

Dr. Peter K. Rogan Lab, Western University
No classification provided (evidence only). Condition: Lymphoma. Review status: no classification provided. Collection method: in vitro. Allele origin: not applicable. Functional consequence: retained intron. Not counted in ClinVar's aggregate classification.

NM_024529.5(CDC73):c.1418-17C>G

Gene: CDC73 (cell division cycle 73; plus strand). Cytogenetic location: 1q31.2.
Variant type: single nucleotide variant.
Coding change: c.1418-17C>G on transcript NM_024529.5 (MANE Select); 17 bases into the intron before coding-DNA position 1418, C replaced by G.
Molecular consequence: intron variant.
Genome position (GRCh38, 1-based): chr1:193,249,713, C>G. VCF-style: chr1-193249713-C-G. GRCh37 (hg19) VCF-style: chr1-193218843-C-G.
Identifiers: ClinVar variation 21682 (VCV000021682.19), dbSNP rs11583414, ClinGen allele CA342366.